The following is an entry in ClinVar:

ClinVar aggregate classification (germline): Uncertain significance (1 of 4 stars; one submission).

Allele frequency attached by ClinVar (database versions not stated): gnomAD exomes below 0.00001.
gnomAD v4.1: 1 of 1,613,700 alleles (0.000062%); highest among the groups gnomAD compares: South Asian, 0.0011%; no homozygotes.

Submission:

Labcorp Genetics (formerly Invitae), Labcorp
Classification: Uncertain significance. Last evaluated: 2023-01-26. Review status: criteria provided, single submitter. Criteria: Invitae Variant Classification Sherloc (09022015). Collection method: clinical testing. Allele origin: germline.
Comment: In summary, the available evidence is currently insufficient to determine the role of this variant in disease. Therefore, it has been classified as a Variant of Uncertain Significance. Advanced modeling of protein sequence and biophysical properties (such as structural, functional, and spatial information, amino acid conservation, physicochemical variation, residue mobility, and thermodynamic stability) performed at Invitae indicates that this missense variant is not expected to disrupt SLC12A2 protein function. This variant has not been reported in the literature in individuals affected with SLC12A2-related conditions. This variant is not present in population databases (gnomAD no frequency). This sequence change replaces histidine, which is basic and polar, with tyrosine, which is neutral and polar, at codon 198 of the SLC12A2 protein (p.His198Tyr).

NM_001046.3(SLC12A2):c.592C>T (p.His198Tyr)

Gene: SLC12A2 (solute carrier family 12 member 2; plus strand). Cytogenetic location: 5q23.3.
Variant type: single nucleotide variant.
Coding change: c.592C>T on transcript NM_001046.3 (MANE Select); coding-DNA position 592, C replaced by T.
Protein change: p.His198Tyr; replaces histidine 198 with tyrosine.
Molecular consequence: missense variant. On other transcripts: non-coding transcript variant (1).
Genome position (GRCh38, 1-based): chr5:128,084,546, C>T. VCF-style: chr5-128084546-C-T. GRCh37 (hg19) VCF-style: chr5-127420238-C-T.
Other names: c.592C>T, p.His198Tyr (NM_001256461.2); short protein forms H198Y.
Identifiers: ClinVar variation 2988480 (VCV002988480.3), dbSNP rs2480691896, ClinGen allele CA360736810.